The following is an entry in ClinVar:

ClinVar aggregate classification (germline): Uncertain significance (1 of 4 stars; one submission).

Submission:

Labcorp Genetics (formerly Invitae), Labcorp
Classification: Uncertain significance. Last evaluated: 2022-10-13. Review status: criteria provided, single submitter. Criteria: Invitae Variant Classification Sherloc (09022015). Collection method: clinical testing. Allele origin: germline.
Comment: This sequence change falls in intron 5 of the ARL3 gene. It does not directly change the encoded amino acid sequence of the ARL3 protein. It affects a nucleotide within the consensus splice site. In summary, the available evidence is currently insufficient to determine the role of this variant in disease. Therefore, it has been classified as a Variant of Uncertain Significance. Variants that disrupt the consensus splice site are a relatively common cause of aberrant splicing (PMID: 17576681, 9536098). Algorithms developed to predict the effect of sequence changes on RNA splicing suggest that this variant may disrupt the consensus splice site. This variant has not been reported in the literature in individuals affected with ARL3-related conditions. This variant is not present in population databases (gnomAD no frequency).

Literature cited by the submitters: PubMed 17576681; PubMed 9536098.

NM_004311.4(ARL3):c.501+1G>A

Gene: ARL3 (ARF like GTPase 3; minus strand). Cytogenetic location: 10q24.32.
Variant type: single nucleotide variant.
Coding change: c.501+1G>A on transcript NM_004311.4 (MANE Select); the canonical splice donor site of the intron after coding-DNA position 501, G replaced by A.
Molecular consequence: splice donor variant.
Genome position (GRCh38, 1-based): chr10:102,685,815, C>T on the plus strand (G>A on the coding strand, the complement: ARL3 is on the minus strand). VCF-style: chr10-102685815-C-T. GRCh37 (hg19) VCF-style: chr10-104445572-C-T.
Identifiers: ClinVar variation 2035439 (VCV002035439.4), dbSNP rs2492950962, ClinGen allele CA377919686.